The following is an entry in ClinVar:

NM_000188.3(HK1):c.1057A>C (p.Lys353Gln)

Gene: HK1 (hexokinase 1; plus strand). Cytogenetic location: 10q22.1.
Variant type: single nucleotide variant.
Coding change: c.1057A>C on transcript NM_000188.3 (MANE Select); coding-DNA position 1057, A replaced by C.
Protein change: p.Lys353Gln; replaces lysine 353 with glutamine.
Molecular consequence: missense variant.
Genome position (GRCh38, 1-based): chr10:69,379,887, A>C. VCF-style: chr10-69379887-A-C. GRCh37 (hg19) VCF-style: chr10-71139643-A-C.
Other names: c.1069A>C, p.Lys357Gln (NM_001322364.2, NM_001358263.1, NM_033497.3 and 1 more transcripts); c.1162A>C, p.Lys388Gln (NM_001322365.2); c.973A>C, p.Lys325Gln (NM_001322366.1); c.961A>C, p.Lys321Gln (NM_001322367.1); c.1054A>C, p.Lys352Gln (NM_033496.3); c.1021A>C, p.Lys341Gln (NM_033500.2); c.1057A>C (NM_000188.2); short protein forms K321Q, K325Q, K341Q, K352Q, K353Q, K357Q, K388Q.
Identifiers: ClinVar variation 1052242 (VCV001052242.11), dbSNP rs780258617, ClinGen allele CA5532501.

ClinVar aggregate classification (germline): Uncertain significance. Review status: criteria provided, multiple submitters, no conflicts (2 of 4 stars). 2 submissions from 2 submitters: Uncertain significance (2). Last evaluated 2025-09-13.

Allele frequency attached by ClinVar (database versions not stated): ExAC 0.00003; gnomAD 0.00003; TOPMed 0.00003.
gnomAD v4.1: 65 of 1,613,946 alleles (0.004%); highest among the groups gnomAD compares: Middle Eastern, 0.033%; no homozygotes.

Submissions (2):

Labcorp Genetics (formerly Invitae), Labcorp
Classification: Uncertain significance. Last evaluated: 2025-09-13. Review status: criteria provided, single submitter. Criteria: Invitae Variant Classification Sherloc (09022015). Collection method: clinical testing. Allele origin: germline.
Comment: This sequence change replaces lysine, which is basic and polar, with glutamine, which is neutral and polar, at codon 353 of the HK1 protein (p.Lys353Gln). This variant is present in population databases (rs780258617, gnomAD 0.004%). This variant has not been reported in the literature in individuals affected with HK1-related conditions. ClinVar contains an entry for this variant (Variation ID: 1052242). Invitae Evidence Modeling of protein sequence and biophysical properties (such as structural, functional, and spatial information, amino acid conservation, physicochemical variation, residue mobility, and thermodynamic stability) indicates that this missense variant is not expected to disrupt HK1 protein function with a negative predictive value of 80%. In summary, the available evidence is currently insufficient to determine the role of this variant in disease. Therefore, it has been classified as a Variant of Uncertain Significance.

Revvity Omics, Revvity
Classification: Uncertain significance. Last evaluated: 2022-01-07. Review status: criteria provided, single submitter. Criteria: ACMG Guidelines, 2015. Collection method: clinical testing. Allele origin: germline.